The following is an entry in ClinVar:

ClinVar aggregate classification (germline): Uncertain significance. Review status: criteria provided, multiple submitters, no conflicts (2 of 4 stars). 2 submissions from 2 submitters: Uncertain significance (2). Last evaluated 2024-12-17.

Conditions:
Congenital disorder of glycosylation type Ir (CDG1R). Also called: DDOST-congenital disorder of glycosylation. Identifiers: Orphanet 300536, MedGen C3281084, MONDO:0013789, OMIM 614507.

Submissions (2):

Ambry Genetics
Classification: Uncertain significance. Last evaluated: 2024-12-17. Review status: criteria provided, single submitter. Criteria: Ambry Variant Classification Scheme 2023. Collection method: clinical testing. Allele origin: germline.

Labcorp Genetics (formerly Invitae), Labcorp
Classification: Uncertain significance for Congenital disorder of glycosylation type Ir. Last evaluated: 2024-10-22. Review status: criteria provided, single submitter. Criteria: Invitae Variant Classification Sherloc (09022015). Collection method: clinical testing. Allele origin: germline.
Comment: This sequence change replaces alanine, which is neutral and non-polar, with valine, which is neutral and non-polar, at codon 28 of the DDOST protein (p.Ala28Val). This variant is not present in population databases (gnomAD no frequency). This variant has not been reported in the literature in individuals affected with DDOST-related conditions. Invitae Evidence Modeling of protein sequence and biophysical properties (such as structural, functional, and spatial information, amino acid conservation, physicochemical variation, residue mobility, and thermodynamic stability) indicates that this missense variant is not expected to disrupt DDOST protein function with a negative predictive value of 80%. In summary, the available evidence is currently insufficient to determine the role of this variant in disease. Therefore, it has been classified as a Variant of Uncertain Significance.

NM_005216.5(DDOST):c.32C>T (p.Ala11Val)

Gene: DDOST (dolichyl-diphosphooligosaccharide--protein glycosyltransferase non-catalytic subunit; minus strand). Cytogenetic location: 1p36.12.
Variant type: single nucleotide variant.
Coding change: c.32C>T on transcript NM_005216.5 (MANE Select); coding-DNA position 32, C replaced by T.
Protein change: p.Ala11Val; replaces alanine 11 with valine.
Molecular consequence: missense variant.
Genome position (GRCh38, 1-based): chr1:20,661,319, G>A on the plus strand (C>T on the coding strand, the complement: DDOST is on the minus strand). VCF-style: chr1-20661319-G-A. GRCh37 (hg19) VCF-style: chr1-20987812-G-A.
Other names: c.83C>T (NM_005216.4); short protein forms A11V.
Identifiers: ClinVar variation 3701390 (VCV003701390.3).